The following is an entry in ClinVar:

ClinVar aggregate classification (germline): Pathogenic. Review status: criteria provided, multiple submitters, no conflicts (2 of 4 stars). 2 submissions from 2 submitters: Pathogenic (2). Last evaluated 2023-08-05.

Conditions:
Leigh syndrome (NULS). Also called: LEIGH SYNDROME, NUCLEAR; Leigh's necrotizing encephalopathy; Leigh's disease; Leigh Syndrome (mtDNA deletion); Leigh's syndrome; Leigh Disease. Identifiers: Orphanet 506, MedGen C2931891, MONDO:0009723, OMIM 256000.

Submissions (2):

Labcorp Genetics (formerly Invitae), Labcorp
Classification: Pathogenic for Leigh syndrome. Last evaluated: 2023-08-05. Review status: criteria provided, single submitter. Criteria: Invitae Variant Classification Sherloc (09022015). Collection method: clinical testing. Allele origin: germline.
Comment: This premature translational stop signal has been observed in individual(s) with clinical features of Leigh disease (PMID: 9837813). For these reasons, this variant has been classified as Pathogenic. This variant disrupts a region of the SURF1 protein in which other variant(s) (p.Ser282Cysfs*9) have been determined to be pathogenic (PMID: 9837813, 16326995, 18583168, 22488715, 23829769). This suggests that this is a clinically significant region of the protein, and that variants that disrupt it are likely to be disease-causing. ClinVar contains an entry for this variant (Variation ID: 1705227). This variant is also known as 772delCC. The frequency data for this variant in the population databases is considered unreliable, as metrics indicate poor data quality at this position in the gnomAD database. This sequence change creates a premature translational stop signal (p.Pro258Hisfs*33) in the SURF1 gene. While this is not anticipated to result in nonsense mediated decay, it is expected to disrupt the last 43 amino acid(s) of the SURF1 protein.

Women's Health and Genetics/Laboratory Corporation of America, LabCorp
Classification: Pathogenic for Leigh syndrome. Last evaluated: 2022-08-28. Review status: criteria provided, single submitter. Criteria: LabCorp Variant Classification Summary - May 2015. Collection method: clinical testing. Allele origin: germline.
Comment: Variant summary: SURF1 c.773_774delCC (p.Pro258HisfsX33) results in a premature termination codon, predicted to cause a truncation of the encoded protein or absence of the protein due to nonsense mediated decay, which are commonly known mechanisms for disease. Truncations downstream of this position have been classified as pathogenic by our laboratory. The variant allele was found at a frequency of 4.2e-06 in 236592 control chromosomes. c.773_774delCC has been reported in the literature in individuals affected with Leigh Syndrome (example, Rossi_2003, Tiranti_1998). No clinical diagnostic laboratories have submitted clinical-significance assessments for this variant to ClinVar after 2014. Based on the evidence outlined above, the variant was classified as pathogenic.

Literature cited by the submitters: PubMed 9837813 (cited by Labcorp Genetics (formerly Invitae), Labcorp and Women's Health and Genetics/Laboratory Corporation of America, LabCorp); PubMed 16326995 (cited by Labcorp Genetics (formerly Invitae), Labcorp); PubMed 18583168 (cited by Labcorp Genetics (formerly Invitae), Labcorp); PubMed 22488715 (cited by Labcorp Genetics (formerly Invitae), Labcorp); PubMed 23829769 (cited by Labcorp Genetics (formerly Invitae), Labcorp); PubMed 34943053 (cited by Women's Health and Genetics/Laboratory Corporation of America, LabCorp); PubMed 12812953 (cited by Women's Health and Genetics/Laboratory Corporation of America, LabCorp).

NM_003172.4(SURF1):c.773_774del (p.Pro258fs)

Gene: SURF1 (SURF1 cytochrome c oxidase assembly factor; minus strand). Cytogenetic location: 9q34.2.
Variant type: Deletion.
Coding change: c.773_774del on transcript NM_003172.4 (MANE Select); coding-DNA positions 773 to 774, 2 bases deleted (CC; older notation c.773_774delCC).
Protein change: p.Pro258fs; shifts the reading frame from proline 258.
Molecular consequence: frameshift variant.
Genome position (GRCh38, 1-based): chr9:133,352,120-133,352,121, GG deleted on the plus strand (CC on the coding strand, the reverse complement: SURF1 is on the minus strand); deleting any 2 consecutive bases within chr9:133,352,120-133,352,122 gives the same sequence; the c. name uses the placement nearest the transcript's 3' end. VCF-style (leftmost placement, unchanged base first): chr9-133352119-TGG-T. GRCh37 (hg19) VCF-style: chr9-136218974-TGG-T.
Other names: c.446_447del, p.Pro149fs (NM_001280787.1); short protein forms P149fs, P258fs.
Identifiers: ClinVar variation 1705227 (VCV001705227.5), dbSNP rs782237489, ClinGen allele CA200832089.